The following is an entry in ClinVar:

ClinVar aggregate classification (germline): Likely pathogenic. Review status: criteria provided, multiple submitters, no conflicts (2 of 4 stars). 2 submissions from 2 submitters: Likely pathogenic (2). Last evaluated 2024-02-21.

Conditions:
Familial hemophagocytic lymphohistiocytosis 5. Also called: STXBP2-Related Familial Hemophagocytic Lymphohistiocytosis (STXBP2-fHLH). Identifiers: Orphanet 540, MedGen C2751293, MONDO:0013135, OMIM 613101.

Allele frequency attached by ClinVar (database versions not stated): gnomAD exomes below 0.00001.
gnomAD v4.1: 1 of 1,579,456 alleles (0.000063%); highest among the groups gnomAD compares: Non-Finnish European, 0.000086%; no homozygotes.

Submissions (2):

Baylor Genetics
Classification: Likely pathogenic for Familial hemophagocytic lymphohistiocytosis 5. Last evaluated: 2024-02-21. Review status: criteria provided, single submitter. Criteria: ACMG Guidelines, 2015. Collection method: clinical testing. Allele origin: unknown.

Labcorp Genetics (formerly Invitae), Labcorp
Classification: Likely pathogenic for Familial hemophagocytic lymphohistiocytosis 5. Last evaluated: 2023-09-06. Review status: criteria provided, single submitter. Criteria: Invitae Variant Classification Sherloc (09022015). Collection method: clinical testing. Allele origin: germline.
Comment: In summary, the currently available evidence indicates that the variant is pathogenic, but additional data are needed to prove that conclusively. Therefore, this variant has been classified as Likely Pathogenic. Algorithms developed to predict the effect of sequence changes on RNA splicing suggest that this variant may disrupt the consensus splice site. Disruption of this splice site has been observed in individual(s) with familial hemophagocytic lymphohistiocytosis (PMID: 20823128). The frequency data for this variant in the population databases is considered unreliable, as metrics indicate poor data quality at this position in the gnomAD database. This sequence change affects a donor splice site in intron 15 of the STXBP2 gene. It is expected to disrupt RNA splicing. Variants that disrupt the donor or acceptor splice site typically lead to a loss of protein function (PMID: 16199547), and loss-of-function variants in STXBP2 are known to be pathogenic (PMID: 19804848, 22451424).

Literature cited by the submitters: PubMed 20823128 (cited by Labcorp Genetics (formerly Invitae), Labcorp); PubMed 16199547 (cited by Labcorp Genetics (formerly Invitae), Labcorp); PubMed 19804848 (cited by Labcorp Genetics (formerly Invitae), Labcorp); PubMed 22451424 (cited by Labcorp Genetics (formerly Invitae), Labcorp).

NM_006949.4(STXBP2):c.1356+1G>T

Gene: STXBP2 (syntaxin binding protein 2; plus strand). Cytogenetic location: 19p13.2.
Variant type: single nucleotide variant.
Coding change: c.1356+1G>T on transcript NM_006949.4 (MANE Select); the canonical splice donor site of the intron after coding-DNA position 1356, G replaced by T.
Molecular consequence: splice donor variant.
Genome position (GRCh38, 1-based): chr19:7,645,307, G>T. VCF-style: chr19-7645307-G-T. GRCh37 (hg19) VCF-style: chr19-7710193-G-T.
Other names: c.1260+1G>T (NM_001414484.1); c.1389+1G>T (NM_001272034.2); c.1347+1G>T (NM_001127396.3).
Identifiers: ClinVar variation 2899306 (VCV002899306.4), dbSNP rs1157060069, ClinGen allele CA403161516.